The following is an entry in ClinVar:

ClinVar aggregate classification (germline): Uncertain significance. Review status: criteria provided, multiple submitters, no conflicts (2 of 4 stars). 2 submissions from 2 submitters: Uncertain significance (2). Last evaluated 2026-06-23.

Conditions:
SOD1-related disorder. Also called: SOD1-related condition.
Amyotrophic lateral sclerosis type 1 (ALS1). Also called: AMYOTROPHIC LATERAL SCLEROSIS 1, FAMILIAL. Identifiers: Orphanet 803, MedGen C1862939, MONDO:0007103, OMIM 105400.

Submissions (2):

PreventionGenetics, part of Exact Sciences
Classification: Uncertain significance for SOD1-related condition. Last evaluated: 2026-06-23. Review status: criteria provided, single submitter. Criteria: ACMG Guidelines, 2015. Collection method: clinical testing. Allele origin: germline.
Comment: The SOD1 c.220G>A variant is predicted to result in the amino acid substitution p.Gly74Arg. To our knowledge, this variant has not been reported in the literature or in a large population database, indicating this variant is rare. A different missense change impacting the same amino acid (c.221G>A, p.Gly74Glu) has been reported in an individual with spinal onset amyotrophic lateral sclerosis (ALS, Lamp et al. 2018. PubMed ID: 29525178). Although we suspect that the c.220G>A (p.Gly74Arg) variant may be pathogenic, at this time, the clinical significance of this variant is uncertain due to the absence of conclusive functional and genetic evidence.

Labcorp Genetics (formerly Invitae), Labcorp
Classification: Uncertain significance for Amyotrophic lateral sclerosis type 1. Last evaluated: 2017-12-06. Review status: criteria provided, single submitter. Criteria: Invitae Variant Classification Sherloc (09022015). Collection method: clinical testing. Allele origin: germline.
Comment: In summary, the available evidence is currently insufficient to determine the role of this variant in disease. Therefore, it has been classified as a Variant of Uncertain Significance. Algorithms developed to predict the effect of missense changes on protein structure and function (SIFT, PolyPhen-2, Align-GVGD) all suggest that this variant is likely to be disruptive, but these predictions have not been confirmed by published functional studies and their clinical significance is uncertain. This variant has not been reported in the literature in individuals with SOD1-related disease. This variant is not present in population databases (ExAC no frequency). This sequence change replaces glycine with arginine at codon 74 of the SOD1 protein (p.Gly74Arg). The glycine residue is moderately conserved and there is a moderate physicochemical difference between glycine and arginine.

NM_000454.5(SOD1):c.220G>A (p.Gly74Arg)

Gene: SOD1 (superoxide dismutase 1; plus strand). Cytogenetic location: 21q22.11.
Variant type: single nucleotide variant.
Coding change: c.220G>A on transcript NM_000454.5 (MANE Select); coding-DNA position 220, G replaced by A.
Protein change: p.Gly74Arg; replaces glycine 74 with arginine.
Molecular consequence: missense variant.
Genome position (GRCh38, 1-based): chr21:31,666,499, G>A. VCF-style: chr21-31666499-G-A. GRCh37 (hg19) VCF-style: chr21-33038812-G-A.
Other names: short protein forms G74R.
Identifiers: ClinVar variation 536143 (VCV000536143.10), dbSNP rs1555836720, ClinGen allele CA410037311.
Genomic context (GRCh38, chr21:31,666,499, plus strand): 5'-TTATAAATAGGCTGTACCAGTGCAGGTCCTCACTTTAATCCTCTATCCAGAAAACACGGT[G>A]GGCCAAAGGATGAAGAGAGGTAACAAGATGCTTAACTCTTGTAATAATGGCGATAGCTTT-3'
Protein context (NP_000445.1, residues 64-84): HFNPLSRKHG[Gly74Arg]PKDEERHVGD